The following is an entry in ClinVar:

ClinVar aggregate classification (germline): Conflicting classifications of pathogenicity. Review status: criteria provided, conflicting classifications (1 of 4 stars). 8 submissions from 8 submitters: Uncertain significance (6); Likely benign (1). 1 of the submissions does not count toward it. Last evaluated 2025-12-14.

Conditions:
ATM-related cancer predisposition. Also called: ATM-related cancer susceptibility. Identifiers: MedGen CN377759, MONDO:0700270.
ATM-related disorder. Also called: ATM-related disorders; ATM-related condition.
Hereditary cancer-predisposing syndrome. Also called: Neoplastic Syndromes, Hereditary; Tumor predisposition; Hereditary neoplastic syndrome; Hereditary Cancer Syndrome. Identifiers: Orphanet 140162, MedGen C0027672, MeSH D009386, MONDO:0015356.
Familial cancer of breast. Also called: Hereditary breast cancer; BREAST CANCER, FAMILIAL; hereditary breast carcinoma. Identifiers: Orphanet 227535, MedGen C0346153, MONDO:0016419, OMIM 114480. Disease mechanism: loss of function.
Ataxia-telangiectasia syndrome (AT). Also called: Cerebello-oculocutaneous telangiectasia; Immunodeficiency with ataxia telangiectasia; AT, COMPLEMENTATION GROUP C; LOUIS-BAR SYNDROME; Ataxia-telangiectasia, complementation group E; ATAXIA-TELANGIECTASIA, COMPLEMENTATION GROUP A. Identifiers: Orphanet 100, MedGen C0004135, MONDO:0008840, OMIM 208900.

Allele frequency attached by ClinVar (database versions not stated): gnomAD 0.00001; TOPMed 0.00001; gnomAD exomes 0.00002.
gnomAD v4.1: 30 of 1,613,814 alleles (0.0019%); highest among the groups gnomAD compares: Non-Finnish European, 0.0025%; no homozygotes.

Submissions (8):

Labcorp Genetics (formerly Invitae), Labcorp
Classification: Uncertain significance for Ataxia-telangiectasia syndrome. Last evaluated: 2025-12-14. Review status: criteria provided, single submitter. Criteria: Invitae Variant Classification Sherloc (09022015). Collection method: clinical testing. Allele origin: germline.
Comment: This sequence change replaces leucine, which is neutral and non-polar, with serine, which is neutral and polar, at codon 243 of the ATM protein (p.Leu243Ser). This variant is present in population databases (rs786202096, gnomAD 0.007%). This variant has not been reported in the literature in individuals affected with ATM-related conditions. ClinVar contains an entry for this variant (Variation ID: 185337). Invitae Evidence Modeling of protein sequence and biophysical properties (such as structural, functional, and spatial information, amino acid conservation, physicochemical variation, residue mobility, and thermodynamic stability) indicates that this missense variant is not expected to disrupt ATM protein function with a negative predictive value of 95%. In summary, the available evidence is currently insufficient to determine the role of this variant in disease. Therefore, it has been classified as a Variant of Uncertain Significance.

PreventionGenetics, part of Exact Sciences
Classification: Uncertain significance for ATM-related condition. Last evaluated: 2025-11-04. Review status: criteria provided, single submitter. Criteria: ACMG Guidelines, 2015. Collection method: clinical testing. Allele origin: germline.
Comment: The ATM c.728T>C variant is predicted to result in the amino acid substitution p.Leu243Ser. This variant was reported in a large breast cancer case-control study, although it was not clear if the variant was detected in more than one case and/or seen in controls (Table S5, Decker B et al 2017. PubMed ID: 28779002). This variant is reported in 0.0065% of alleles in individuals of European (Non-Finnish) descent in gnomAD and has conflicting interpretation in ClinVar ranging from likely benign to uncertain (Variation ID: 185337). At this time, the clinical significance of this variant is uncertain due to the absence of conclusive functional and genetic evidence.

Color Diagnostics, LLC DBA Color Health
Classification: Uncertain significance for Hereditary cancer-predisposing syndrome. Last evaluated: 2025-10-06. Review status: criteria provided, single submitter. Criteria: ACMG Guidelines, 2015. Collection method: clinical testing. Allele origin: germline.
Comment: This missense variant replaces leucine with serine at codon 243 of the ATM protein. Computational prediction suggests that this variant may not impact protein structure and function. To our knowledge, functional studies have not been reported for this variant. In a large international case-control study, this variant was reported in 1/60466 breast cancer cases and absent in 53461 controls (PMID: 33471991). This variant has been identified in 1/31394 chromosomes in the general population by the Genome Aggregation Database (gnomAD). The available evidence is insufficient to determine the role of this variant in disease conclusively. Therefore, this variant is classified as a Variant of Uncertain Significance.

Ambry Genetics
Classification: Likely benign for Hereditary cancer-predisposing syndrome. Last evaluated: 2025-01-30. Review status: criteria provided, single submitter. Criteria: Ambry Variant Classification Scheme 2023. Collection method: clinical testing. Allele origin: germline.

Department of Pathology and Laboratory Medicine, Sinai Health System
Classification: Uncertain significance for ATM-related cancer predisposition. Last evaluated: 2024-12-09. Review status: criteria provided, single submitter. Criteria: ACMG Guidelines, 2015. Collection method: clinical testing. Allele origin: germline.

Baylor Genetics
Classification: Uncertain significance for Familial cancer of breast. Last evaluated: 2024-02-14. Review status: criteria provided, single submitter. Criteria: ACMG Guidelines, 2015. Collection method: clinical testing. Allele origin: unknown.

GeneDx
Classification: Uncertain significance. Last evaluated: 2023-05-30. Review status: criteria provided, single submitter. Criteria: GeneDx Variant Classification Process June 2021. Collection method: clinical testing. Allele origin: germline. Affected: yes.
Comment: Not observed at significant frequency in large population cohorts (gnomAD); In silico analysis supports that this missense variant does not alter protein structure/function; Observed in individuals with breast cancer in published literature (Ali et al., 2014; Decker et al., 2017); This variant is associated with the following publications: (PMID: 24201163, 26976419, 28779002)

Natera, Inc.
Classification: Uncertain significance for Ataxia-telangiectasia. Last evaluated: 2020-09-16. Review status: no assertion criteria provided. Collection method: clinical testing. Allele origin: germline. Not counted in ClinVar's aggregate classification.

Literature cited by the submitters: PubMed 33471991 (cited by Color Diagnostics, LLC DBA Color Health and Department of Pathology and Laboratory Medicine, Sinai Health System); PubMed 28779002 (cited by Ambry Genetics and Department of Pathology and Laboratory Medicine, Sinai Health System).

NM_000051.4(ATM):c.728T>C (p.Leu243Ser)

Gene: ATM (ATM serine/threonine kinase; plus strand). Cytogenetic location: 11q22.3.
Variant type: single nucleotide variant.
Coding change: c.728T>C on transcript NM_000051.4 (MANE Select); coding-DNA position 728, T replaced by C.
Protein change: p.Leu243Ser; replaces leucine 243 with serine.
Molecular consequence: missense variant.
Genome position (GRCh38, 1-based): chr11:108,244,853, T>C. VCF-style: chr11-108244853-T-C. GRCh37 (hg19) VCF-style: chr11-108115580-T-C.
Other names: c.728T>C, p.Leu243Ser (NM_001351834.2); short protein forms L243S.
Identifiers: ClinVar variation 185337 (VCV000185337.25), dbSNP rs786202096, ClinGen allele CA191675.